The following is an entry in ClinVar:

NM_000288.4(PEX7):c.26C>A (p.Ala9Glu)

Gene: PEX7 (peroxisomal biogenesis factor 7; plus strand). Cytogenetic location: 6q23.3.
Variant type: single nucleotide variant.
Coding change: c.26C>A on transcript NM_000288.4 (MANE Select); coding-DNA position 26, C replaced by A.
Protein change: p.Ala9Glu; replaces alanine 9 with glutamic acid.
Molecular consequence: missense variant.
Genome position (GRCh38, 1-based): chr6:136,822,691, C>A. VCF-style: chr6-136822691-C-A. GRCh37 (hg19) VCF-style: chr6-137143829-C-A.
Other names: short protein forms A9E.
Identifiers: ClinVar variation 1496152 (VCV001496152.8), dbSNP rs1774097710, ClinGen allele CA365855107.
Genomic context (GRCh38, chr6:136,822,691, plus strand): 5'-GGCCGGGGCAGCGAGGGCCGGGGGCGGCGGGCGGGATGAGTGCGGTGTGCGGTGGAGCGG[C>A]GCGGATGCTGCGGACGCCGGGACGCCACGGCTACGCCGCCGAGTTCTCCCCGTACCTGCC-3'
Protein context (NP_000279.1, residues 1-19): MSAVCGGA[Ala9Glu]RMLRTPGRHG

ClinVar aggregate classification (germline): Uncertain significance (1 of 4 stars; one submission).

Conditions:
Peroxisome biogenesis disorder 9B. Also called: PEX7-Related Refsum Disease; PEROXISOME BIOGENESIS DISORDER, PEX7-RELATED, ATYPICAL; Refsum disease, adult, 2. Identifiers: Orphanet 773, MedGen C2749346, MONDO:0013945, OMIM 614879.

gnomAD v4.1: 1 of 1,520,600 alleles (0.000066%); highest among the groups gnomAD compares: Non-Finnish European, 0.000088%; no homozygotes.

Submission:

Labcorp Genetics (formerly Invitae), Labcorp
Classification: Uncertain significance for Peroxisome biogenesis disorder 9B. Last evaluated: 2025-04-16. Review status: criteria provided, single submitter. Criteria: Invitae Variant Classification Sherloc (09022015). Collection method: clinical testing. Allele origin: germline.
Comment: This sequence change replaces alanine, which is neutral and non-polar, with glutamic acid, which is acidic and polar, at codon 9 of the PEX7 protein (p.Ala9Glu). This variant is not present in population databases (gnomAD no frequency). This variant has not been reported in the literature in individuals affected with PEX7-related conditions. ClinVar contains an entry for this variant (Variation ID: 1496152). An algorithm developed to predict the effect of missense changes on protein structure and function (PolyPhen-2) suggests that this variant is likely to be tolerated. In summary, the available evidence is currently insufficient to determine the role of this variant in disease. Therefore, it has been classified as a Variant of Uncertain Significance.